The following is an entry in ClinVar:

ClinVar aggregate classification (germline): Conflicting classifications of pathogenicity. Review status: criteria provided, conflicting classifications (1 of 4 stars). 3 submissions from 3 submitters: Uncertain significance (1); Likely benign (2). Last evaluated 2025-12-01.

Conditions:
Hereditary pancreatitis (PCTT). Also called: Hereditary chronic pancreatitis; PRSS1-Related Hereditary Pancreatitis. Identifiers: Orphanet 676, MedGen C0238339, MONDO:0008185, OMIM 167800.
Cystic fibrosis (CF). Also called: MUCOVISCIDOSIS. Identifiers: Orphanet 586, MedGen C0010674, MONDO:0009061, OMIM 219700. Disease mechanism: loss of function.

Allele frequency attached by ClinVar (database versions not stated): 1000 Genomes Project 0.00100; gnomAD 0.00109 and 0.00112; TOPMed 0.00119; 1000 Genomes Project 30x 0.00172.

Submissions (3):

CeGaT Center for Human Genetics Tuebingen
Classification: Likely benign. Last evaluated: 2025-12-01. Review status: criteria provided, single submitter. Criteria: CeGaT Center For Human Genetics Tuebingen Variant Classification Criteria Version 2. Collection method: clinical testing. Allele origin: germline. Affected: yes. Observed: 6 variant alleles.
Comment: CFTR: PS3:Supporting, BS2

Labcorp Genetics (formerly Invitae), Labcorp
Classification: Likely benign for Cystic fibrosis. Last evaluated: 2023-09-27. Review status: criteria provided, single submitter. Criteria: Invitae Variant Classification Sherloc (09022015). Collection method: clinical testing. Allele origin: germline.

Sema4
Classification: Uncertain significance for Hereditary pancreatitis. Last evaluated: 2021-09-03. Review status: criteria provided, single submitter. Criteria: Sema4 Curation Guidelines. Collection method: curation. Allele origin: germline.
Comment: The CFTR c.-1043dupT variant has been reported in at least one individual with diffuse bronchiectasis (PMID: 25797027). It is also known as -912dupT in the literature. Functional studies have shown that this variant significantly reduced transcription activity vitro (PMID: 25797027). This variant was observed in 21/15424 chromosomes of the Non-Finnish European subpopulation, including no homozygotes, in the large and broad cohorts of the Genome Aggregation Database (PMID: 32461654). The variant has been reported in ClinVar (Variation ID: 1144671). The evidence is insufficient to meet ACMG/AMP criteria for classifying the variant as benign or pathogenic. Thus, the clinical significance of this variant is currently uncertain.

Literature cited by the submitters: PubMed 25797027 (cited by Sema4).

NM_000492.3(CFTR):c.-1043dup

Genes: CFTR (CF transmembrane conductance regulator; plus strand), LOC111674463 (CFTR promoter region; plus strand). Cytogenetic location: 7q31.2.
Variant type: Duplication.
Coding change: c.-1043dup on transcript NM_000492.3; 1043 bases upstream of the start codon, one base duplicated (T; older notation c.-1043dupT).
Genome position (GRCh38, 1-based): chr7:117,479,052, T duplicated. VCF-style (leftmost placement, unchanged base first): chr7-117479051-C-CT. GRCh37 (hg19) VCF-style: chr7-117119105-C-CT.
Identifiers: ClinVar variation 1144671 (VCV001144671.31), dbSNP rs574740041, ClinGen allele CA164948148.